The following is an entry in ClinVar:

ClinVar aggregate classification (germline): Uncertain significance. Review status: criteria provided, multiple submitters, no conflicts (2 of 4 stars). 2 submissions from 2 submitters: Uncertain significance (2). Last evaluated 2024-04-04.

Conditions:
Hereditary cancer-predisposing syndrome. Also called: Tumor predisposition; Hereditary neoplastic syndrome; Neoplastic Syndromes, Hereditary; Hereditary Cancer Syndrome. Identifiers: Orphanet 140162, MedGen C0027672, MeSH D009386, MONDO:0015356.
Familial cancer of breast. Also called: hereditary breast carcinoma; Hereditary breast cancer; BREAST CANCER, FAMILIAL. Identifiers: Orphanet 227535, MedGen C0346153, MONDO:0016419, OMIM 114480. Disease mechanism: loss of function.

Allele frequency attached by ClinVar (database versions not stated): gnomAD exomes below 0.00001.

Submissions (2):

Labcorp Genetics (formerly Invitae), Labcorp
Classification: Uncertain significance for Familial cancer of breast. Last evaluated: 2024-04-04. Review status: criteria provided, single submitter. Criteria: Invitae Variant Classification Sherloc (09022015). Collection method: clinical testing. Allele origin: germline.
Comment: This sequence change replaces methionine, which is neutral and non-polar, with isoleucine, which is neutral and non-polar, at codon 875 of the PALB2 protein (p.Met875Ile). This variant is not present in population databases (gnomAD no frequency). This variant has not been reported in the literature in individuals affected with PALB2-related conditions. ClinVar contains an entry for this variant (Variation ID: 861476). Advanced modeling of protein sequence and biophysical properties (such as structural, functional, and spatial information, amino acid conservation, physicochemical variation, residue mobility, and thermodynamic stability) performed at Invitae indicates that this missense variant is not expected to disrupt PALB2 protein function with a negative predictive value of 80%. In summary, the available evidence is currently insufficient to determine the role of this variant in disease. Therefore, it has been classified as a Variant of Uncertain Significance.

Color Diagnostics, LLC DBA Color Health
Classification: Uncertain significance for Hereditary cancer-predisposing syndrome. Last evaluated: 2023-10-31. Review status: criteria provided, single submitter. Criteria: ACMG Guidelines, 2015. Collection method: clinical testing. Allele origin: germline.
Comment: This missense variant replaces methionine with isoleucine at codon 875 of the PALB2 protein. Computational prediction suggests that this variant may not impact protein structure and function (internally defined REVEL score threshold <= 0.5, PMID: 27666373). To our knowledge, functional studies have not been reported for this variant. This variant has not been reported in individuals affected with PALB2-related disorders in the literature. This variant has not been identified in the general population by the Genome Aggregation Database (gnomAD). The available evidence is insufficient to determine the role of this variant in disease conclusively. Therefore, this variant is classified as a Variant of Uncertain Significance.

NM_024675.4(PALB2):c.2625G>A (p.Met875Ile)

Gene: PALB2 (partner and localizer of BRCA2; minus strand). Cytogenetic location: 16p12.2.
Variant type: single nucleotide variant.
Coding change: c.2625G>A on transcript NM_024675.4 (MANE Select); coding-DNA position 2625, G replaced by A.
Protein change: p.Met875Ile; replaces methionine 875 with isoleucine.
Molecular consequence: missense variant.
Genome position (GRCh38, 1-based): chr16:23,626,359, C>T on the plus strand (G>A on the coding strand, the complement: PALB2 is on the minus strand). VCF-style: chr16-23626359-C-T. GRCh37 (hg19) VCF-style: chr16-23637680-C-T.
Other names: short protein forms M875I.
Identifiers: ClinVar variation 861476 (VCV000861476.12), dbSNP rs1966842758, ClinGen allele CA395122183.